The following is an entry in ClinVar:

ClinVar aggregate classification (germline): Likely benign (1 of 4 stars; one submission).

gnomAD v4.1: 18 of 1,599,922 alleles (0.0011%); highest among the groups gnomAD compares: Middle Eastern, 0.017%; no homozygotes.

Submission:

CeGaT Center for Human Genetics Tuebingen
Classification: Likely benign. Last evaluated: 2026-03-01. Review status: criteria provided, single submitter. Criteria: CeGaT Center For Human Genetics Tuebingen Variant Classification Criteria Version 2. Collection method: clinical testing. Allele origin: germline. Affected: yes. Observed: 1 variant allele.
Comment: EPS8L2: BP4, BP7

NM_022772.4(EPS8L2):c.366C>T (p.Arg122=)

Gene: EPS8L2 (EPS8 signaling adaptor L2; plus strand). Cytogenetic location: 11p15.5.
Variant type: single nucleotide variant.
Coding change: c.366C>T on transcript NM_022772.4 (MANE Select); coding-DNA position 366, C replaced by T.
Protein change: p.Arg122=; no amino-acid change (arginine 122 retained).
Molecular consequence: synonymous variant.
Genome position (GRCh38, 1-based): chr11:720,635, C>T. VCF-style: chr11-720635-C-T. GRCh37 (hg19) VCF-style: chr11-720635-C-T.
Other names: c.366C>T, p.Arg122= (NM_001441192.1, NM_001441193.1).
Identifiers: ClinVar variation 4822417 (VCV004822417.4).